The following is an entry in ClinVar:

ClinVar aggregate classification (germline): Uncertain significance (1 of 4 stars; one submission).

Conditions:
Ehlers-Danlos syndrome, type 4 (EDSVASC). Also called: Ehlers-Danlos syndrome vascular type; Ehlers Danlos syndrome, ecchymotic type; Ehlers Danlos syndrome, arterial type; Ehlers Danlos syndrome, Sack-Barabas type; Ehlers-Danlos Syndrome Type IV. Identifiers: Orphanet 286, MedGen C0268338, MONDO:0017314, OMIM 130050.

gnomAD v4.1: 1 of 1,614,114 alleles (0.000062%); highest among the groups gnomAD compares: Non-Finnish European, 0.000085%; no homozygotes.

Submission:

Labcorp Genetics (formerly Invitae), Labcorp
Classification: Uncertain significance for Ehlers-Danlos syndrome, type 4. Last evaluated: 2024-02-24. Review status: criteria provided, single submitter. Criteria: Invitae Variant Classification Sherloc (09022015). Collection method: clinical testing. Allele origin: germline.
Comment: This sequence change replaces proline, which is neutral and non-polar, with serine, which is neutral and polar, at codon 1028 of the COL3A1 protein (p.Pro1028Ser). This variant is not present in population databases (gnomAD no frequency). This variant has not been reported in the literature in individuals affected with COL3A1-related conditions. ClinVar contains an entry for this variant (Variation ID: 1471350). Advanced modeling of protein sequence and biophysical properties (such as structural, functional, and spatial information, amino acid conservation, physicochemical variation, residue mobility, and thermodynamic stability) has been performed at Invitae for this missense variant, however the output from this modeling did not meet the statistical confidence thresholds required to predict the impact of this variant on COL3A1 protein function. In summary, the available evidence is currently insufficient to determine the role of this variant in disease. Therefore, it has been classified as a Variant of Uncertain Significance.

NM_000090.4(COL3A1):c.3082C>T (p.Pro1028Ser)

Gene: COL3A1 (collagen type III alpha 1 chain; plus strand). Cytogenetic location: 2q32.2.
Variant type: single nucleotide variant.
Coding change: c.3082C>T on transcript NM_000090.4 (MANE Select); coding-DNA position 3082, C replaced by T.
Protein change: p.Pro1028Ser; replaces proline 1028 with serine.
Molecular consequence: missense variant.
Genome position (GRCh38, 1-based): chr2:189,006,248, C>T. VCF-style: chr2-189006248-C-T. GRCh37 (hg19) VCF-style: chr2-189870974-C-T.
Other names: short protein forms P1028S.
Identifiers: ClinVar variation 1471350 (VCV001471350.6), dbSNP rs2153503710, ClinGen allele CA349844973.